The following is an entry in ClinVar:

NM_001267550.2(TTN):c.28151C>G (p.Ser9384Cys)

Gene: TTN (titin; minus strand). Cytogenetic location: 2q31.2.
Variant type: single nucleotide variant.
Coding change: c.28151C>G on transcript NM_001267550.2 (MANE Select); coding-DNA position 28151, C replaced by G.
Protein change: p.Ser9384Cys; replaces serine 9384 with cysteine.
Molecular consequence: missense variant. On other transcripts: intron variant (3).
Genome position (GRCh38, 1-based): chr2:178,711,085, G>C on the plus strand (C>G on the coding strand, the complement: TTN is on the minus strand). VCF-style: chr2-178711085-G-C. GRCh37 (hg19) VCF-style: chr2-179575812-G-C.
Other names: c.27200C>G, p.Ser9067Cys (NM_001256850.1); c.24419C>G, p.Ser8140Cys (NM_133378.4); c.13282+26997C>G (NM_003319.4); c.13858+26997C>G (NM_133437.4); c.13657+26997C>G (NM_133432.3); short protein forms S9384C, S8140C, S9067C.
Identifiers: ClinVar variation 535302 (VCV000535302.7), dbSNP rs760466007, ClinGen allele CA1999652.

ClinVar aggregate classification (germline): Conflicting classifications of pathogenicity. Review status: criteria provided, conflicting classifications (1 of 4 stars). 3 submissions from 3 submitters: Uncertain significance (2); Likely benign (1). Last evaluated 2023-04-19.

Conditions:
Autosomal recessive limb-girdle muscular dystrophy type 2J (LGMDR10). Also called: Limb-girdle muscular dystrophy, type 2J; MUSCULAR DYSTROPHY, LIMB-GIRDLE, AUTOSOMAL RECESSIVE 10. Identifiers: Orphanet 140922, MedGen C1837342, MONDO:0012127, OMIM 608807.
Dilated cardiomyopathy 1G (CMD1G). Identifiers: Orphanet 154, MedGen C1858763, MONDO:0011400, OMIM 604145.

Allele frequency attached by ClinVar (database versions not stated): gnomAD exomes below 0.00001 and 0.00001; ExAC 0.00001; TOPMed 0.00003.
gnomAD v4.1: 9 of 1,597,394 alleles (0.00056%); highest among the groups gnomAD compares: Non-Finnish European, 0.00077%; no homozygotes.

Submissions (3):

Revvity Omics, Revvity
Classification: Uncertain significance. Last evaluated: 2023-04-19. Review status: criteria provided, single submitter. Criteria: ACMG Guidelines, 2015. Collection method: clinical testing. Allele origin: germline.

GeneDx
Classification: Likely benign. Last evaluated: 2018-06-06. Review status: criteria provided, single submitter. Criteria: GeneDx Variant Classification (06012015). Collection method: clinical testing. Allele origin: germline. Affected: yes.
Comment: This variant is considered likely benign or benign based on one or more of the following criteria: it is a conservative change, it occurs at a poorly conserved position in the protein, it is predicted to be benign by multiple in silico algorithms, and/or has population frequency not consistent with disease.

Labcorp Genetics (formerly Invitae), Labcorp
Classification: Uncertain significance for Dilated cardiomyopathy 1G; Autosomal recessive limb-girdle muscular dystrophy type 2J. Last evaluated: 2017-11-17. Review status: criteria provided, single submitter. Criteria: Invitae Variant Classification Sherloc (09022015). Collection method: clinical testing. Allele origin: germline.